The following is an entry in ClinVar:

NM_006182.4(DDR2):c.1352C>T (p.Ser451Phe)

Gene: DDR2 (discoidin domain receptor tyrosine kinase 2; plus strand). Cytogenetic location: 1q23.3.
Variant type: single nucleotide variant.
Coding change: c.1352C>T on transcript NM_006182.4 (MANE Select); coding-DNA position 1352, C replaced by T.
Protein change: p.Ser451Phe; replaces serine 451 with phenylalanine.
Molecular consequence: missense variant.
Genome position (GRCh38, 1-based): chr1:162,770,360, C>T. VCF-style: chr1-162770360-C-T. GRCh37 (hg19) VCF-style: chr1-162740150-C-T.
Other names: c.1352C>T, p.Ser451Phe (NM_001014796.3, NM_001354982.2, NM_001354983.2); short protein forms S451F.
Identifiers: ClinVar variation 1471757 (VCV001471757.8), dbSNP rs150920581, ClinGen allele CA1217495.

ClinVar aggregate classification (germline): Uncertain significance (1 of 4 stars; one submission).

Allele frequency attached by ClinVar (database versions not stated): TOPMed below 0.00001; gnomAD exomes 0.00001 and 0.00002; ExAC 0.00002; ESP Exome Variant Server 0.00008.
gnomAD v4.1: 10 of 1,614,058 alleles (0.00062%); highest among the groups gnomAD compares: Non-Finnish European, 0.00068%; no homozygotes.

Submission:

Labcorp Genetics (formerly Invitae), Labcorp
Classification: Uncertain significance. Last evaluated: 2021-05-14. Review status: criteria provided, single submitter. Criteria: Invitae Variant Classification Sherloc (09022015). Collection method: clinical testing. Allele origin: germline.
Comment: Algorithms developed to predict the effect of missense changes on protein structure and function are either unavailable or do not agree on the potential impact of this missense change (SIFT: "Deleterious"; PolyPhen-2: "Benign"; Align-GVGD: "Class C15"). This sequence change replaces serine with phenylalanine at codon 451 of the DDR2 protein (p.Ser451Phe). The serine residue is highly conserved and there is a large physicochemical difference between serine and phenylalanine. This variant is present in population databases (rs150920581, ExAC 0.003%). This variant has not been reported in the literature in individuals with DDR2-related conditions. In summary, the available evidence is currently insufficient to determine the role of this variant in disease. Therefore, it has been classified as a Variant of Uncertain Significance.